The following is an entry in ClinVar:

NM_001166108.2(PALLD):c.625A>C (p.Asn209His)

Gene: PALLD (palladin, cytoskeletal associated protein; plus strand). Cytogenetic location: 4q32.3.
Variant type: single nucleotide variant.
Coding change: c.625A>C on transcript NM_001166108.2 (MANE Select); coding-DNA position 625, A replaced by C.
Protein change: p.Asn209His; replaces asparagine 209 with histidine.
Molecular consequence: missense variant.
Genome position (GRCh38, 1-based): chr4:168,512,129, A>C. VCF-style: chr4-168512129-A-C. GRCh37 (hg19) VCF-style: chr4-169433280-A-C.
Other names: c.625A>C, p.Asn209His (NM_016081.4); short protein forms N209H.
Identifiers: ClinVar variation 1752470 (VCV001752470.2), dbSNP rs1762580221, ClinGen allele CA358727477.

ClinVar aggregate classification (germline): Uncertain significance (1 of 4 stars; one submission).

gnomAD v4.1: 14 of 1,614,180 alleles (0.00087%); highest among the groups gnomAD compares: Non-Finnish European, 0.0011%; no homozygotes.

Submission:

Ambry Genetics
Classification: Uncertain significance. Last evaluated: 2022-08-12. Review status: criteria provided, single submitter. Criteria: Ambry Variant Classification Scheme 2023. Collection method: clinical testing. Allele origin: germline.
Comment: The p.N209H variant (also known as c.625A>C), located in coding exon 1 of the PALLD gene, results from an A to C substitution at nucleotide position 625. The asparagine at codon 209 is replaced by histidine, an amino acid with similar properties. This amino acid position is conserved. In addition, this alteration is predicted to be tolerated by in silico analysis. Since supporting evidence is limited at this time, the clinical significance of this alteration remains unclear.